The following is an entry in ClinVar:

NM_020702.5(MYORG):c.690A>G (p.Leu230=)

Gene: MYORG (myogenesis regulating glycosidase; minus strand). Cytogenetic location: 9p13.3.
Variant type: single nucleotide variant.
Coding change: c.690A>G on transcript NM_020702.5 (MANE Select); coding-DNA position 690, A replaced by G.
Protein change: p.Leu230=; no amino-acid change (leucine 230 retained).
Molecular consequence: synonymous variant.
Genome position (GRCh38, 1-based): chr9:34,372,254, T>C on the plus strand (A>G on the coding strand, the complement: MYORG is on the minus strand). VCF-style: chr9-34372254-T-C. GRCh37 (hg19) VCF-style: chr9-34372252-T-C.
Other names: c.690A>G (NM_020702.4).
Identifiers: ClinVar variation 1681315 (VCV001681315.20), dbSNP rs202011793, ClinGen allele CA5033089.

ClinVar aggregate classification (germline): Benign/Likely benign. Review status: criteria provided, multiple submitters, no conflicts (2 of 4 stars). 5 submissions from 5 submitters: Benign (2); Likely benign (2). 1 of the submissions does not count toward it. Last evaluated 2025-11-03.

Conditions:
MYORG-related disorder. Also called: MYORG-related condition.

Allele frequency attached by ClinVar (database versions not stated): ESP Exome Variant Server 0.00096; TOPMed 0.00111; gnomAD 0.00113 and 0.00135; gnomAD exomes 0.00180; ExAC 0.00243; 1000 Genomes Project 30x 0.00265; 1000 Genomes Project 0.00280.
gnomAD v4.1: 3,543 of 1,610,884 alleles (0.22%); highest among the groups gnomAD compares: South Asian, 0.71%; 14 homozygotes.

Submissions (5):

Labcorp Genetics (formerly Invitae), Labcorp
Classification: Benign. Last evaluated: 2025-11-03. Review status: criteria provided, single submitter. Criteria: Invitae Variant Classification Sherloc (09022015). Collection method: clinical testing. Allele origin: germline.

CeGaT Center for Human Genetics Tuebingen
Classification: Likely benign. Last evaluated: 2025-07-01. Review status: criteria provided, single submitter. Criteria: CeGaT Center For Human Genetics Tuebingen Variant Classification Criteria Version 2. Collection method: clinical testing. Allele origin: germline. Affected: yes. Observed: 1 variant allele.
Comment: MYORG: BP4, BP7, BS2

Blueprint Genetics
Classification: Likely benign. Last evaluated: 2024-11-26. Review status: criteria provided, single submitter. Criteria: ACMG Guidelines, 2015. Collection method: clinical testing. Allele origin: germline.

Breakthrough Genomics
Classification: Benign. Review status: criteria provided, single submitter. Criteria: ACMG Guidelines, 2015. Collection method: not provided. Allele origin: germline. Inheritance: Autosomal recessive inheritance. Affected: yes.

PreventionGenetics, part of Exact Sciences
Classification: Likely benign for MYORG-related condition. Last evaluated: 2024-06-03. Review status: no assertion criteria provided. Collection method: clinical testing. Allele origin: germline. Not counted in ClinVar's aggregate classification.
Comment: This variant is classified as likely benign based on ACMG/AMP sequence variant interpretation guidelines (Richards et al. 2015 PMID: 25741868, with internal and published modifications).